The following is an entry in ClinVar:

ClinVar aggregate classification (germline): Uncertain significance. Review status: criteria provided, multiple submitters, no conflicts (2 of 4 stars). 2 submissions from 2 submitters: Uncertain significance (2). Last evaluated 2025-10-06.

Conditions:
Hereditary cancer-predisposing syndrome. Also called: Tumor predisposition; Hereditary neoplastic syndrome; Neoplastic Syndromes, Hereditary; Hereditary Cancer Syndrome. Identifiers: Orphanet 140162, MedGen C0027672, MeSH D009386, MONDO:0015356.

Submissions (2):

Labcorp Genetics (formerly Invitae), Labcorp
Classification: Uncertain significance for Hereditary cancer-predisposing syndrome. Last evaluated: 2025-10-06. Review status: criteria provided, single submitter. Criteria: Invitae Variant Classification Sherloc (09022015). Collection method: clinical testing. Allele origin: germline.
Comment: This sequence change replaces serine, which is neutral and polar, with cysteine, which is neutral and slightly polar, at codon 99 of the RAD50 protein (p.Ser99Cys). This variant is not present in population databases (gnomAD no frequency). This variant has not been reported in the literature in individuals affected with RAD50-related conditions. ClinVar contains an entry for this variant (Variation ID: 1009744). Invitae Evidence Modeling of protein sequence and biophysical properties (such as structural, functional, and spatial information, amino acid conservation, physicochemical variation, residue mobility, and thermodynamic stability) indicates that this missense variant is expected to disrupt RAD50 protein function with a positive predictive value of 80%. In summary, the available evidence is currently insufficient to determine the role of this variant in disease. Therefore, it has been classified as a Variant of Uncertain Significance.

Ambry Genetics
Classification: Uncertain significance for Hereditary cancer-predisposing syndrome. Last evaluated: 2015-10-12. Review status: criteria provided, single submitter. Criteria: Ambry Variant Classification Scheme 2023. Collection method: clinical testing. Allele origin: germline.
Comment: The p.S99C variant (also known as c.296C>G), located in coding exon 3 of the RAD50 gene, results from a C to G substitution at nucleotide position 296. The serine at codon 99 is replaced by cysteine, an amino acid with dissimilar properties. This variant was not reported in population based cohorts in the following databases: Database of Single Nucleotide Polymorphisms (dbSNP), NHLBI Exome Sequencing Project (ESP), and 1000 Genomes Project. In the ESP, this variant was not observed in 6503 samples (13006 alleles) with coverage at this position. To date, this alteration has been detected with an allele frequency of approximately 0.002% (greater than 65000 alleles tested) in our clinical cohort. This amino acid position is highly conserved in available vertebrate species. In addition, the in silico prediction for this alteration is inconclusive. Since supporting evidence is limited at this time, the clinical significance of p.S99C remains unclear.

NM_005732.4(RAD50):c.296C>G (p.Ser99Cys)

Gene: RAD50 (RAD50 double strand break repair protein; plus strand). Cytogenetic location: 5q31.1.
Variant type: single nucleotide variant.
Coding change: c.296C>G on transcript NM_005732.4 (MANE Select); coding-DNA position 296, C replaced by G.
Protein change: p.Ser99Cys; replaces serine 99 with cysteine.
Molecular consequence: missense variant.
Genome position (GRCh38, 1-based): chr5:132,575,859, C>G. VCF-style: chr5-132575859-C-G. GRCh37 (hg19) VCF-style: chr5-131911551-C-G.
Other names: short protein forms S99C.
Identifiers: ClinVar variation 1009744 (VCV001009744.11), dbSNP rs1372122953, ClinGen allele CA360930935.
Genomic context (GRCh38, chr5:132,575,859, plus strand): 5'-GAGCCCAGATTCGTCTGCAATTTCGTGATGTCAATGGAGAACTTATAGCTGTGCAAAGAT[C>G]TATGGTGTGTACTCAGAAAAGCAAAAAGACAGAATTTAAAACTCTGGAAGGAGTCATTAC-3'
Protein context (NP_005723.2, residues 89-109): VNGELIAVQR[Ser99Cys]MVCTQKSKKT